The following is an entry in ClinVar:

ClinVar aggregate classification (germline): Likely benign. Review status: criteria provided, multiple submitters, no conflicts (2 of 4 stars). 2 submissions from 2 submitters: Likely benign (2). Last evaluated 2024-06-09.

Conditions:
RYR1-related disorder. Also called: RYR1-related condition; RYR1-related disorders. Identifiers: MedGen CN239331.
Malignant hyperthermia, susceptibility to, 1 (MHS1). Also called: Anesthesia related hyperthermia; Malignant hyperpyrexia; Fulminating hyperpyrexia; Pharmacogenic myopathy; RYR1-Related Malignant Hyperthermia Susceptibility; Malignant hyperthermia suceptibility 1. Identifiers: Orphanet 423, MedGen C2930980, MONDO:0007783, OMIM 145600.

Allele frequency attached by ClinVar (database versions not stated): gnomAD exomes below 0.00001; TOPMed below 0.00001.
gnomAD v4.1: 1 of 1,614,046 alleles (0.000062%); highest among the groups gnomAD compares: Admixed American, 0.0017%; no homozygotes.

Submissions (2):

All of Us Research Program, National Institutes of Health
Classification: Likely benign for Malignant hyperthermia, susceptibility to, 1. Last evaluated: 2024-06-09. Review status: criteria provided, single submitter. Criteria: ACMG Guidelines, 2015. Collection method: clinical testing. Allele origin: germline. Inheritance: Autosomal dominant inheritance. Observed: 4 variant alleles, 4 heterozygotes.
Comment: This study involves interpretation of variants in research participants for the purpose of population health screening. Participant phenotype was not available at the time of variant classification. Additional details can be found in publication PMID: 35346344, PMCID: PMC8962531

Labcorp Genetics (formerly Invitae), Labcorp
Classification: Likely benign for RYR1-related disorder. Last evaluated: 2023-12-07. Review status: criteria provided, single submitter. Criteria: Invitae Variant Classification Sherloc (09022015). Collection method: clinical testing. Allele origin: germline.

NM_000540.3(RYR1):c.11292C>T (p.Tyr3764=)

Gene: RYR1 (ryanodine receptor 1; plus strand). Cytogenetic location: 19q13.2.
Variant type: single nucleotide variant.
Coding change: c.11292C>T on transcript NM_000540.3 (MANE Select); coding-DNA position 11292, C replaced by T.
Protein change: p.Tyr3764=; no amino-acid change (tyrosine 3764 retained).
Molecular consequence: synonymous variant.
Genome position (GRCh38, 1-based): chr19:38,534,752, C>T. VCF-style: chr19-38534752-C-T. GRCh37 (hg19) VCF-style: chr19-39025392-C-T.
Other names: c.11277C>T, p.Tyr3759= (NM_001042723.2).
Identifiers: ClinVar variation 329106 (VCV000329106.14), dbSNP rs886054401, ClinGen allele CA10648646.